The following is an entry in ClinVar:

ClinVar aggregate classification (germline): Uncertain significance (1 of 4 stars; one submission).

gnomAD v4.1: 2 of 1,610,584 alleles (0.00012%); no homozygotes.

Submission:

Labcorp Genetics (formerly Invitae), Labcorp
Classification: Uncertain significance. Last evaluated: 2025-03-19. Review status: criteria provided, single submitter. Criteria: Invitae Variant Classification Sherloc (09022015). Collection method: clinical testing. Allele origin: germline.
Comment: This sequence change replaces histidine, which is basic and polar, with arginine, which is basic and polar, at codon 258 of the GATAD2B protein (p.His258Arg). This variant is not present in population databases (gnomAD no frequency). This variant has not been reported in the literature in individuals affected with GATAD2B-related conditions. Invitae Evidence Modeling of protein sequence and biophysical properties (such as structural, functional, and spatial information, amino acid conservation, physicochemical variation, residue mobility, and thermodynamic stability) indicates that this missense variant is not expected to disrupt GATAD2B protein function with a negative predictive value of 80%. In summary, the available evidence is currently insufficient to determine the role of this variant in disease. Therefore, it has been classified as a Variant of Uncertain Significance.

NM_020699.4(GATAD2B):c.773A>G (p.His258Arg)

Gene: GATAD2B (GATA zinc finger domain containing 2B; minus strand). Cytogenetic location: 1q21.3.
Variant type: single nucleotide variant.
Coding change: c.773A>G on transcript NM_020699.4 (MANE Select); coding-DNA position 773, A replaced by G.
Protein change: p.His258Arg; replaces histidine 258 with arginine.
Molecular consequence: missense variant.
Genome position (GRCh38, 1-based): chr1:153,817,499, T>C on the plus strand (A>G on the coding strand, the complement: GATAD2B is on the minus strand). VCF-style: chr1-153817499-T-C. GRCh37 (hg19) VCF-style: chr1-153789975-T-C.
Other names: short protein forms H258R.
Identifiers: ClinVar variation 4710216 (VCV004710216.1).